The following is an entry in ClinVar:

NM_006231.4(POLE):c.5266del (p.Ile1756fs)

Gene: POLE (DNA polymerase epsilon, catalytic subunit; minus strand). Cytogenetic location: 12q24.33.
Variant type: Deletion.
Coding change: c.5266del on transcript NM_006231.4 (MANE Select); coding-DNA position 5266, one base deleted (A; older notation c.5266delA).
Protein change: p.Ile1756fs; shifts the reading frame from isoleucine 1756.
Molecular consequence: frameshift variant.
Genome position (GRCh38, 1-based): chr12:132,641,759, T deleted on the plus strand (A on the coding strand, the reverse complement: POLE is on the minus strand). VCF-style (leftmost placement, unchanged base first): chr12-132641758-AT-A. GRCh37 (hg19) VCF-style: chr12-133218344-AT-A.
Other names: c.5266delA (NM_006231.2); short protein forms I1756fs.
Identifiers: ClinVar variation 2979971 (VCV002979971.4), dbSNP rs2541880994, ClinGen allele CA2575358704.

ClinVar aggregate classification (germline): Conflicting classifications of pathogenicity. Review status: criteria provided, conflicting classifications (1 of 4 stars). 2 submissions from 2 submitters: Pathogenic (1); Uncertain significance (1). Last evaluated 2025-10-16.

Conditions:
Hereditary cancer-predisposing syndrome. Also called: Neoplastic Syndromes, Hereditary; Hereditary neoplastic syndrome; Hereditary Cancer Syndrome; Tumor predisposition. Identifiers: Orphanet 140162, MedGen C0027672, MeSH D009386, MONDO:0015356.

Submissions (2):

Ambry Genetics
Classification: Uncertain significance for Hereditary cancer-predisposing syndrome. Last evaluated: 2025-10-16. Review status: criteria provided, single submitter. Criteria: Ambry Variant Classification Scheme 2023. Collection method: clinical testing. Allele origin: germline.
Comment: The c.5266delA variant, located in coding exon 39 of the POLE gene, results from a deletion of one nucleotide at nucleotide position 5266, causing a translational frameshift with a predicted alternate stop codon (p.I1756Sfs*5). This alteration is expected to result in loss of function by premature protein truncation or nonsense-mediated mRNA decay. Although biallelic loss of function of POLE has been associated with autosomal recessive POLE deficiency, haploinsufficiency of POLE has not been established as a mechanism of disease for POLE-related polymerase proofreading-associated polyposis (PPAP) and POLE-related CMMRD-like syndrome. Based on the supporting evidence, this variant is expected to be causative of POLE deficiency when present along with a second pathogenic variant on the other allele; however, its clinical significance for PPAP and POLE-related CMMRD-like syndrome is unclear.

Labcorp Genetics (formerly Invitae), Labcorp
Classification: Pathogenic. Last evaluated: 2023-08-07. Review status: criteria provided, single submitter. Criteria: Invitae Variant Classification Sherloc (09022015). Collection method: clinical testing. Allele origin: germline.
Comment: For these reasons, this variant has been classified as Pathogenic. This sequence change creates a premature translational stop signal (p.Ile1756Serfs*5) in the POLE gene. It is expected to result in an absent or disrupted protein product. Loss-of-function variants in POLE are known to be pathogenic (PMID: 23230001, 25948378, 30503519). This variant is not present in population databases (gnomAD no frequency). This premature translational stop signal has been observed in individual(s) with clinical features of autosomal recessive POLE-related conditions (PMID: 30503519).

Literature cited by the submitters: PubMed 23230001 (cited by Labcorp Genetics (formerly Invitae), Labcorp); PubMed 25948378 (cited by Labcorp Genetics (formerly Invitae), Labcorp); PubMed 30503519 (cited by Labcorp Genetics (formerly Invitae), Labcorp).